The following is an entry in ClinVar:

ClinVar aggregate classification (germline): Likely benign (1 of 4 stars; one submission).

Allele frequency attached by ClinVar (database versions not stated): gnomAD exomes 0.00061; 1000 Genomes Project 0.00619; gnomAD 0.00636 and 0.00692; 1000 Genomes Project 30x 0.00640; TOPMed 0.00733.
gnomAD v4.1: 1,316 of 692,502 alleles (0.19%); highest among the groups gnomAD compares: African/African-American, 2.2%; 13 homozygotes.

Submission:

GeneDx
Classification: Likely benign. Last evaluated: 2018-06-15. Review status: criteria provided, single submitter. Criteria: GeneDx Variant Classification (06012015). Collection method: clinical testing. Allele origin: germline. Affected: yes.
Comment: This variant is considered likely benign or benign based on one or more of the following criteria: it is a conservative change, it occurs at a poorly conserved position in the protein, it is predicted to be benign by multiple in silico algorithms, and/or has population frequency not consistent with disease.

NM_005359.6(SMAD4):c.904+137T>G

Gene: SMAD4 (SMAD family member 4; plus strand). Cytogenetic location: 18q21.2.
Variant type: single nucleotide variant.
Coding change: c.904+137T>G on transcript NM_005359.6 (MANE Select); 137 bases into the intron after coding-DNA position 904, T replaced by G.
Molecular consequence: intron variant.
Genome position (GRCh38, 1-based): chr18:51,058,593, T>G. VCF-style: chr18-51058593-T-G. GRCh37 (hg19) VCF-style: chr18-48584963-T-G.
Identifiers: ClinVar variation 676205 (VCV000676205.1), dbSNP rs193237226, ClinGen allele CA300086720.